The following is an entry in ClinVar:

ClinVar aggregate classification (germline): Uncertain significance (1 of 4 stars; one submission).

Allele frequency attached by ClinVar (database versions not stated): ExAC 0.00001; gnomAD 0.00001; gnomAD exomes 0.00001; 1000 Genomes Project 30x 0.00016; 1000 Genomes Project 0.00020.

Submission:

Labcorp Genetics (formerly Invitae), Labcorp
Classification: Uncertain significance. Last evaluated: 2023-11-28. Review status: criteria provided, single submitter. Criteria: Invitae Variant Classification Sherloc (09022015). Collection method: clinical testing. Allele origin: germline.
Comment: This sequence change replaces arginine, which is basic and polar, with histidine, which is basic and polar, at codon 528 of the DNAJC21 protein (p.Arg528His). This variant is present in population databases (rs552965011, gnomAD 0.004%). This variant has not been reported in the literature in individuals affected with DNAJC21-related conditions. ClinVar contains an entry for this variant (Variation ID: 1474165). An algorithm developed to predict the effect of missense changes on protein structure and function (PolyPhen-2) suggests that this variant is likely to be disruptive. In summary, the available evidence is currently insufficient to determine the role of this variant in disease. Therefore, it has been classified as a Variant of Uncertain Significance.

NM_001012339.3(DNAJC21):c.1583G>A (p.Arg528His)

Gene: DNAJC21 (DnaJ heat shock protein family (Hsp40) member C21; plus strand). Cytogenetic location: 5p13.2.
Variant type: single nucleotide variant.
Coding change: c.1583G>A on transcript NM_001012339.3 (MANE Select); coding-DNA position 1583, G replaced by A.
Protein change: p.Arg528His; replaces arginine 528 with histidine.
Molecular consequence: missense variant.
Genome position (GRCh38, 1-based): chr5:34,954,701, G>A. VCF-style: chr5-34954701-G-A. GRCh37 (hg19) VCF-style: chr5-34954806-G-A.
Other names: c.1622G>A, p.Arg541His (NM_001348420.2); c.1718G>A, p.Arg573His (NM_194283.4); short protein forms R541H, R528H, R573H.
Identifiers: ClinVar variation 1474165 (VCV001474165.5), dbSNP rs552965011, ClinGen allele CA3228897.